The following is an entry in ClinVar:

ClinVar aggregate classification (germline): Uncertain significance (1 of 4 stars; one submission).

Conditions:
Inborn genetic diseases. Identifiers: MedGen C0950123, MeSH D030342.

gnomAD v4.1: 1 of 1,614,126 alleles (0.000062%); highest among the groups gnomAD compares: Non-Finnish European, 0.000085%; no homozygotes.

Submission:

Ambry Genetics
Classification: Uncertain significance for Inborn genetic diseases. Last evaluated: 2023-11-15. Review status: criteria provided, single submitter. Criteria: Ambry Variant Classification Scheme 2023. Collection method: clinical testing. Allele origin: germline.
Comment: The p.D656Y variant (also known as c.1966G>T), located in coding exon 12 of the EPAS1 gene, results from a G to T substitution at nucleotide position 1966. The aspartic acid at codon 656 is replaced by tyrosine, an amino acid with highly dissimilar properties. This amino acid position is conserved. In addition, this alteration is predicted to be tolerated by in silico analysis. Since supporting evidence is limited at this time, the clinical significance of this alteration remains unclear.

NM_001430.5(EPAS1):c.1966G>T (p.Asp656Tyr)

Gene: EPAS1 (endothelial PAS domain protein 1; plus strand). Cytogenetic location: 2p21.
Variant type: single nucleotide variant.
Coding change: c.1966G>T on transcript NM_001430.5 (MANE Select); coding-DNA position 1966, G replaced by T.
Protein change: p.Asp656Tyr; replaces aspartic acid 656 with tyrosine.
Molecular consequence: missense variant.
Genome position (GRCh38, 1-based): chr2:46,380,638, G>T. VCF-style: chr2-46380638-G-T. GRCh37 (hg19) VCF-style: chr2-46607777-G-T.
Other names: short protein forms D656Y.
Identifiers: ClinVar variation 1783532 (VCV001783532.2), dbSNP rs1177530014, ClinGen allele CA346705250.